The following is an entry in ClinVar:

ClinVar aggregate classification (germline): Uncertain significance (1 of 4 stars; one submission).

gnomAD v4.1: 12 of 1,614,214 alleles (0.00074%); highest among the groups gnomAD compares: East Asian, 0.02%; no homozygotes.

Submission:

Ambry Genetics
Classification: Uncertain significance. Last evaluated: 2026-06-22. Review status: criteria provided, single submitter. Criteria: Ambry Variant Classification Scheme 2023. Collection method: clinical testing. Allele origin: germline.
Comment: The p.I530V variant (also known as c.1588A>G), located in coding exon 4 of the TMPO gene, results from an A to G substitution at nucleotide position 1588. The isoleucine at codon 530 is replaced by valine, an amino acid with highly similar properties. This amino acid position is conserved. In addition, this alteration is predicted to be tolerated by in silico analysis. Based on the available evidence, the clinical significance of this variant remains unclear.

NM_001032283.3(TMPO):c.565+2007A>G

Gene: TMPO (thymopoietin; plus strand). Cytogenetic location: 12q23.1.
Variant type: single nucleotide variant.
Coding change: c.565+2007A>G on transcript NM_001032283.3 (MANE Select); 2007 bases into the intron after coding-DNA position 565, A replaced by G.
Molecular consequence: intron variant. On other transcripts: missense variant (1).
Genome position (GRCh38, 1-based): chr12:98,533,845, A>G. VCF-style: chr12-98533845-A-G. GRCh37 (hg19) VCF-style: chr12-98927623-A-G.
Other names: c.1588A>G, p.Ile530Val (NM_003276.2); c.565+2007A>G (NM_001307975.2, NM_001032284.3); short protein forms I530V.
Identifiers: ClinVar variation 4597029 (VCV004597029.2).